The following is an entry in ClinVar:

ClinVar aggregate classification (germline): Uncertain significance. Review status: criteria provided, multiple submitters, no conflicts (2 of 4 stars). 2 submissions from 2 submitters: Uncertain significance (2). Last evaluated 2025-09-08.

Conditions:
Inborn genetic diseases. Identifiers: MedGen C0950123, MeSH D030342.

gnomAD v4.1: 2 of 1,550,792 alleles (0.00013%); highest among the groups gnomAD compares: Admixed American, 0.002%; no homozygotes.

Submissions (2):

Labcorp Genetics (formerly Invitae), Labcorp
Classification: Uncertain significance. Last evaluated: 2025-09-08. Review status: criteria provided, single submitter. Criteria: Invitae Variant Classification Sherloc (09022015). Collection method: clinical testing. Allele origin: germline.
Comment: This sequence change replaces glutamine, which is neutral and polar, with arginine, which is basic and polar, at codon 132 of the TONSL protein (p.Gln132Arg). This variant is present in population databases (no rsID available, gnomAD 0.004%). This variant has not been reported in the literature in individuals affected with TONSL-related conditions. ClinVar contains an entry for this variant (Variation ID: 3460081). Invitae Evidence Modeling of protein sequence and biophysical properties (such as structural, functional, and spatial information, amino acid conservation, physicochemical variation, residue mobility, and thermodynamic stability) indicates that this missense variant is expected to disrupt TONSL protein function with a positive predictive value of 80%. In summary, the available evidence is currently insufficient to determine the role of this variant in disease. Therefore, it has been classified as a Variant of Uncertain Significance.

Ambry Genetics
Classification: Uncertain significance for Inborn genetic diseases. Last evaluated: 2024-07-09. Review status: criteria provided, single submitter. Criteria: Ambry Variant Classification Scheme 2023. Collection method: clinical testing. Allele origin: germline.

NM_013432.5(TONSL):c.395A>G (p.Gln132Arg)

Gene: TONSL (tonsoku like, DNA repair protein; minus strand). Cytogenetic location: 8q24.3.
Variant type: single nucleotide variant.
Coding change: c.395A>G on transcript NM_013432.5 (MANE Select); coding-DNA position 395, A replaced by G.
Protein change: p.Gln132Arg; replaces glutamine 132 with arginine.
Molecular consequence: missense variant.
Genome position (GRCh38, 1-based): chr8:144,443,191, T>C on the plus strand (A>G on the coding strand, the complement: TONSL is on the minus strand). VCF-style: chr8-144443191-T-C. GRCh37 (hg19) VCF-style: chr8-145668574-T-C.
Other names: short protein forms Q132R.
Identifiers: ClinVar variation 3460081 (VCV003460081.2).
Genomic context (GRCh38, chr8:144,443,191, plus strand): 5'-TGCCCACCCTCCAGCTCCTCATCCACAATAGCCAAGCTCTTCTCAAAGGCAGCCTGTGCC[T>C]GCAGCAAAGCATCCCTCGACTGGCAGTGGTCATAGATGTCCAGGTGGGTGCGGCCGATGG-3'
Protein context (NP_038460.4, residues 122-142): DHCQSRDALL[Gln132Arg]AQAAFEKSLA